The following is an entry in ClinVar:

ClinVar aggregate classification (germline): Uncertain significance. Review status: criteria provided, multiple submitters, no conflicts (2 of 4 stars). 5 submissions from 5 submitters: Uncertain significance (5). Last evaluated 2025-08-25.

Conditions:
Inborn genetic diseases. Identifiers: MedGen C0950123, MeSH D030342.
IMPG2-related disorder. Also called: IMPG2-related condition.

Allele frequency attached by ClinVar (database versions not stated): ExAC 0.00002; gnomAD exomes 0.00005 and 0.00006; gnomAD 0.00009 and 0.00010; TOPMed 0.00011.
gnomAD v4.1: 96 of 1,613,928 alleles (0.0059%); highest among the groups gnomAD compares: African/African-American, 0.015%; no homozygotes.

Submissions (5):

Ambry Genetics
Classification: Uncertain significance for Inborn genetic diseases. Last evaluated: 2025-08-25. Review status: criteria provided, single submitter. Criteria: Ambry Variant Classification Scheme 2023. Collection method: clinical testing. Allele origin: germline.

PreventionGenetics, part of Exact Sciences
Classification: Uncertain significance for IMPG2-related condition. Last evaluated: 2024-10-22. Review status: criteria provided, single submitter. Criteria: ACMG Guidelines, 2015. Collection method: clinical testing. Allele origin: germline.
Comment: The IMPG2 c.2831C>T variant is predicted to result in the amino acid substitution p.Thr944Met. To our knowledge, this variant has not been reported in the literature. This variant is reported in 0.020% of alleles in individuals of African descent in gnomAD. At this time, the clinical significance of this variant is uncertain due to the absence of conclusive functional and genetic evidence.

Blueprint Genetics
Classification: Uncertain significance. Last evaluated: 2022-10-28. Review status: criteria provided, single submitter. Criteria: ACMG Guidelines, 2015. Collection method: clinical testing. Allele origin: germline.

Labcorp Genetics (formerly Invitae), Labcorp
Classification: Uncertain significance. Last evaluated: 2022-09-06. Review status: criteria provided, single submitter. Criteria: Invitae Variant Classification Sherloc (09022015). Collection method: clinical testing. Allele origin: germline.
Comment: This sequence change replaces threonine, which is neutral and polar, with methionine, which is neutral and non-polar, at codon 944 of the IMPG2 protein (p.Thr944Met). This variant is present in population databases (rs202022113, gnomAD 0.02%). This variant has not been reported in the literature in individuals affected with IMPG2-related conditions. ClinVar contains an entry for this variant (Variation ID: 1307210). Algorithms developed to predict the effect of missense changes on protein structure and function are either unavailable or do not agree on the potential impact of this missense change (SIFT: "Deleterious"; PolyPhen-2: "Probably Damaging"; Align-GVGD: "Class C15"). In summary, the available evidence is currently insufficient to determine the role of this variant in disease. Therefore, it has been classified as a Variant of Uncertain Significance.

GeneDx
Classification: Uncertain significance. Last evaluated: 2019-07-25. Review status: criteria provided, single submitter. Criteria: GeneDx Variant Classification Process June 2021. Collection method: clinical testing. Allele origin: germline. Affected: yes.
Comment: In silico analysis, which includes protein predictors and evolutionary conservation, supports a deleterious effect; Has not been previously published as pathogenic or benign to our knowledge

NM_016247.4(IMPG2):c.2831C>T (p.Thr944Met)

Gene: IMPG2 (interphotoreceptor matrix proteoglycan 2; minus strand). Cytogenetic location: 3q12.3.
Variant type: single nucleotide variant.
Coding change: c.2831C>T on transcript NM_016247.4 (MANE Select); coding-DNA position 2831, C replaced by T.
Protein change: p.Thr944Met; replaces threonine 944 with methionine.
Molecular consequence: missense variant.
Genome position (GRCh38, 1-based): chr3:101,242,879, G>A on the plus strand (C>T on the coding strand, the complement: IMPG2 is on the minus strand). VCF-style: chr3-101242879-G-A. GRCh37 (hg19) VCF-style: chr3-100961723-G-A.
Other names: short protein forms T944M.
Identifiers: ClinVar variation 1307210 (VCV001307210.6), dbSNP rs202022113, ClinGen allele CA2518892.
Genomic context (GRCh38, chr3:101,242,879, plus strand): 5'-CGACTGTTCACCACAATGCTGCCATTTCTGAAGTTGAGGATTTCTAAGTTCTGGAACCCC[G>A]TGAGATTTGACTGGAGATAGGGAACCAGCTACAATATACAAAAGTGGTAAGTTTATTGAC-3'
Protein context (NP_057331.2, residues 934-954): LLVPYLQSNL[Thr944Met]GFQNLEILNF